The following is an entry in ClinVar:

NM_001122630.2(CDKN1C):c.787+4_787+27delinsGGCCGTG

Gene: CDKN1C (cyclin dependent kinase inhibitor 1C; minus strand). Cytogenetic location: 11p15.4.
Variant type: Indel.
Coding change: c.787+4_787+27delinsGGCCGTG on transcript NM_001122630.2 (MANE Select); bases 4 to 27 of the intron after coding-DNA position 787, AGCCCCGCACGGCCCCGCCCCGGC replaced by GGCCGTG.
Molecular consequence: intron variant.
Genome position (GRCh38, 1-based): chr11:2,884,643-2,884,666, GCCGGGGCGGGGCCGTGCGGGGCT replaced by CACGGCC on the plus strand (AGCCCCGCACGGCCCCGCCCCGGC replaced by GGCCGTG on the coding strand, the reverse complement: CDKN1C is on the minus strand). VCF-style: chr11-2884643-GCCGGGGCGGGGCCGTGCGGGGCT-CACGGCC. GRCh37 (hg19) VCF-style: chr11-2905873-GCCGGGGCGGGGCCGTGCGGGGCT-CACGGCC.
Other names: c.256-532_256-509delinsGGCCGTG (NM_001362475.2); c.787+4_787+27delinsGGCCGTG (NM_001122631.2); c.820+4_820+27delinsGGCCGTG (NM_001362474.2, NM_000076.2).
Identifiers: ClinVar variation 2018004 (VCV002018004.4), dbSNP rs2494382857, ClinGen allele CA2580082648.

ClinVar aggregate classification (germline): Uncertain significance (1 of 4 stars; one submission).

Conditions:
Beckwith-Wiedemann syndrome (BWS). Also called: EMG SYNDROME; Exomphalos macroglossia gigantism syndrome. Identifiers: Orphanet 116, MedGen C0004903, MONDO:0007534, OMIM 130650.

Submission:

Labcorp Genetics (formerly Invitae), Labcorp
Classification: Uncertain significance for Beckwith-Wiedemann syndrome. Last evaluated: 2022-07-18. Review status: criteria provided, single submitter. Criteria: Invitae Variant Classification Sherloc (09022015). Collection method: clinical testing. Allele origin: germline.
Comment: In summary, the available evidence is currently insufficient to determine the role of this variant in disease. Therefore, it has been classified as a Variant of Uncertain Significance. Variants that disrupt the consensus splice site are a relatively common cause of aberrant splicing (PMID: 17576681, 9536098). Experimental studies and prediction algorithms are not available or were not evaluated, and the effect of this variant on mRNA splicing is currently unknown. This variant has not been reported in the literature in individuals affected with CDKN1C-related conditions. The frequency data for this variant in the population databases is considered unreliable, as metrics indicate insufficient coverage at this position in the gnomAD database. This sequence change falls in intron 1 of the CDKN1C gene. It does not directly change the encoded amino acid sequence of the CDKN1C protein. It affects a nucleotide within the consensus splice site.

Literature cited by the submitters: PubMed 17576681; PubMed 9536098.